The following is an entry in ClinVar:

ClinVar aggregate classification (germline): Benign/Likely benign. Review status: criteria provided, multiple submitters, no conflicts (2 of 4 stars). 9 submissions from 8 submitters: Benign (2); Likely benign (6). 1 of the submissions does not count toward it. Last evaluated 2026-01-05.

Conditions:
Cardiovascular phenotype. Identifiers: MedGen CN230736.
ABCA1-related disorder. Also called: ABCA1-related condition; ABCA1-related disorders. Identifiers: MedGen CN239173.
Hypoalphalipoproteinemia, primary, 1. Identifiers: Orphanet 425, MedGen C5231558, MONDO:0011393, OMIM 604091.
Tangier disease (TGD). Also called: HIGH DENSITY LIPOPROTEIN DEFICIENCY, TANGIER TYPE; HIGH DENSITY LIPOPROTEIN DEFICIENCY, TYPE 1; Cholesterol thesaurismosis. Identifiers: Orphanet 31150, MedGen C0039292, MONDO:0008783, OMIM 205400.

Allele frequency attached by ClinVar (database versions not stated): TOPMed 0.00020; gnomAD 0.00022; ESP Exome Variant Server 0.00023.
gnomAD v4.1: 729 of 1,614,224 alleles (0.045%); highest among the groups gnomAD compares: South Asian, 0.51%; 9 homozygotes.

Submissions (9):

Women's Health and Genetics/Laboratory Corporation of America, LabCorp
Classification: Likely benign. Last evaluated: 2026-01-05. Review status: criteria provided, single submitter. Criteria: LabCorp Variant Classification Summary - May 2015. Collection method: clinical testing. Allele origin: germline.
Comment: Variant summary: ABCA1 c.1028C>T (p.Ala343Val) results in a non-conservative amino acid change in the encoded protein sequence. Algorithms developed to predict the effect of missense changes on protein structure and function are either unavailable or do not agree on the potential impact of this missense change. The variant allele was found at a frequency of 0.00079 in 251468 control chromosomes in the gnomAD database, including 3 homozygotes. The observed variant frequency exceeds the estimated maximal expected allele frequency for disease-causing variants in ABCA1. To our knowledge, no occurrence of c.1028C>T in individuals affected with ABCA1-related conditions and no experimental evidence demonstrating its impact on protein function have been reported. ClinVar contains an entry for this variant (Variation ID: 364449). Based on the evidence outlined above, the variant was classified as likely benign.

Labcorp Genetics (formerly Invitae), Labcorp
Classification: Benign. Last evaluated: 2025-12-29. Review status: criteria provided, single submitter. Criteria: Invitae Variant Classification Sherloc (09022015). Collection method: clinical testing. Allele origin: germline.

Blueprint Genetics
Classification: Likely benign. Last evaluated: 2024-09-11. Review status: criteria provided, single submitter. Criteria: ACMG Guidelines, 2015. Collection method: clinical testing. Allele origin: germline.

CeGaT Center for Human Genetics Tuebingen
Classification: Likely benign. Last evaluated: 2023-01-01. Review status: criteria provided, single submitter. Criteria: CeGaT Center For Human Genetics Tuebingen Variant Classification Criteria Version 2. Collection method: clinical testing. Allele origin: germline. Affected: yes. Observed: 1 variant allele.
Comment: ABCA1: BP4, BS2

Ambry Genetics
Classification: Likely benign for Cardiovascular phenotype. Last evaluated: 2020-08-20. Review status: criteria provided, single submitter. Criteria: Ambry Variant Classification Scheme 2023. Collection method: clinical testing. Allele origin: germline.

Illumina Laboratory Services, Illumina
Classification: Benign for Hypoalphalipoproteinemia, primary, 1. Last evaluated: 2018-01-13. Review status: criteria provided, single submitter. Criteria: ICSL Variant Classification Criteria 13 December 2019. Collection method: clinical testing. Allele origin: germline.
Comment: This variant was observed in the ICSL laboratory as part of a predisposition screen in an ostensibly healthy population. It had not been previously curated by ICSL or reported in the Human Gene Mutation Database (HGMD: prior to June 1st, 2018), and was therefore a candidate for classification through an automated scoring system. Utilizing variant allele frequency, disease prevalence and penetrance estimates, and inheritance mode, an automated score was calculated to assess if this variant is too frequent to cause the disease. Based on the score and internal cut-off values, a variant classified as benign is not then subjected to further curation. The score for this variant resulted in a classification of benign for this disease.

Illumina Laboratory Services, Illumina
Classification: Likely benign for Tangier disease. Last evaluated: 2018-01-13. Review status: criteria provided, single submitter. Criteria: ICSL Variant Classification Criteria 13 December 2019. Collection method: clinical testing. Allele origin: germline.
Comment: This variant was observed in the ICSL laboratory as part of a predisposition screen in an ostensibly healthy population. It had not been previously curated by ICSL or reported in the Human Gene Mutation Database (HGMD: prior to June 1st, 2018), and was therefore a candidate for classification through an automated scoring system. Utilizing variant allele frequency, disease prevalence and penetrance estimates, and inheritance mode, an automated score was calculated to assess if this variant is too frequent to cause the disease. Based on the score and internal cut-off values, a variant classified as likely benign is not then subjected to further curation. The score for this variant resulted in a classification of likely benign for this disease.

Breakthrough Genomics
Classification: Likely benign. Review status: criteria provided, single submitter. Criteria: ACMG Guidelines, 2015. Collection method: not provided. Allele origin: germline. Inheritance: Autosomal recessive inheritance. Affected: yes.

PreventionGenetics, part of Exact Sciences
Classification: Likely benign for ABCA1-related condition. Last evaluated: 2019-05-17. Review status: no assertion criteria provided. Collection method: clinical testing. Allele origin: germline. Not counted in ClinVar's aggregate classification.
Comment: This variant is classified as likely benign based on ACMG/AMP sequence variant interpretation guidelines (Richards et al. 2015 PMID: 25741868, with internal and published modifications).

Literature cited by the submitters: PubMed 25215231 (cited by Women's Health and Genetics/Laboratory Corporation of America, LabCorp); PubMed 26350511 (cited by Ambry Genetics).

NM_005502.4(ABCA1):c.1028C>T (p.Ala343Val)

Gene: ABCA1 (ATP binding cassette subfamily A member 1; minus strand). Cytogenetic location: 9q31.1.
Variant type: single nucleotide variant.
Coding change: c.1028C>T on transcript NM_005502.4 (MANE Select); coding-DNA position 1028, C replaced by T.
Protein change: p.Ala343Val; replaces alanine 343 with valine.
Molecular consequence: missense variant.
Genome position (GRCh38, 1-based): chr9:104,840,305, G>A on the plus strand (C>T on the coding strand, the complement: ABCA1 is on the minus strand). VCF-style: chr9-104840305-G-A. GRCh37 (hg19) VCF-style: chr9-107602586-G-A.
Other names: short protein forms A343V.
Identifiers: ClinVar variation 364449 (VCV000364449.42), dbSNP rs200030513, ClinGen allele CA5169147.